The following is an entry in ClinVar:

ClinVar aggregate classification (germline): Uncertain significance (1 of 4 stars; one submission).

Allele frequency attached by ClinVar (database versions not stated): gnomAD exomes 0.00001.
gnomAD v4.1: 19 of 1,613,614 alleles (0.0012%); highest among the groups gnomAD compares: Non-Finnish European, 0.0013%; no homozygotes.

Submission:

Labcorp Genetics (formerly Invitae), Labcorp
Classification: Uncertain significance. Last evaluated: 2023-11-24. Review status: criteria provided, single submitter. Criteria: Invitae Variant Classification Sherloc (09022015). Collection method: clinical testing. Allele origin: germline.
Comment: This sequence change replaces tyrosine, which is neutral and polar, with aspartic acid, which is acidic and polar, at codon 682 of the RHOBTB2 protein (p.Tyr682Asp). This variant is not present in population databases (gnomAD no frequency). This variant has not been reported in the literature in individuals affected with RHOBTB2-related conditions. Advanced modeling of protein sequence and biophysical properties (such as structural, functional, and spatial information, amino acid conservation, physicochemical variation, residue mobility, and thermodynamic stability) performed at Invitae indicates that this missense variant is not expected to disrupt RHOBTB2 protein function with a negative predictive value of 80%. In summary, the available evidence is currently insufficient to determine the role of this variant in disease. Therefore, it has been classified as a Variant of Uncertain Significance.

NM_015178.3(RHOBTB2):c.1978T>G (p.Tyr660Asp)

Gene: RHOBTB2 (Rho related BTB domain containing 2; plus strand). Cytogenetic location: 8p21.3.
Variant type: single nucleotide variant.
Coding change: c.1978T>G on transcript NM_015178.3 (MANE Select); coding-DNA position 1978, T replaced by G.
Protein change: p.Tyr660Asp; replaces tyrosine 660 with aspartic acid.
Molecular consequence: missense variant.
Genome position (GRCh38, 1-based): chr8:23,017,263, T>G. VCF-style: chr8-23017263-T-G. GRCh37 (hg19) VCF-style: chr8-22874776-T-G.
Other names: c.2044T>G, p.Tyr682Asp (NM_001160036.2); c.1999T>G, p.Tyr667Asp (NM_001160037.2); c.1978T>G, p.Tyr660Asp (NM_001374791.1); short protein forms Y682D, Y660D, Y667D.
Identifiers: ClinVar variation 2698673 (VCV002698673.3), dbSNP rs2487057045, ClinGen allele CA370577019.
Genomic context (GRCh38, chr8:23,017,263, plus strand): 5'-CTTGTCCCTCTGCCTCCTTTCTAACCAAGCTGCCTGCTCTCTGCTCCAGAAAACCAGGAG[T>G]ATTTCGAGAAGCATCGGTGGCCACCTGTGTGGTACCTGAAGGAGGAAGATCATTACCAGC-3'
Protein context (NP_055993.2, residues 650-670): MKAMSPENQE[Tyr660Asp]FEKHRWPPVW